The following is an entry in ClinVar:

ClinVar aggregate classification (germline): Conflicting classifications of pathogenicity. Review status: criteria provided, conflicting classifications (1 of 4 stars). 2 submissions from 2 submitters: Likely pathogenic (1); Uncertain significance (1). Last evaluated 2026-08-04.

Conditions:
Cardiomyopathy (CMYO). Also called: Cardiomyopathies. Identifiers: Orphanet 167848, MedGen C0878544, MONDO:0004994, HP:0001638. Inheritance: Various modes of inheritance.
MYH6-related disorder. Also called: MYH6-related condition; MYH6-Related Disorders.

gnomAD v4.1: 2 of 1,614,240 alleles (0.00012%); highest among the groups gnomAD compares: Non-Finnish European, 0.000085%; no homozygotes.

Submissions (2):

PreventionGenetics, part of Exact Sciences
Classification: Uncertain significance for MYH6-related condition. Last evaluated: 2026-08-04. Review status: criteria provided, single submitter. Criteria: ACMG Guidelines, 2015. Collection method: clinical testing. Allele origin: germline.
Comment: The MYH6 c.1399G>T variant is predicted to result in premature protein termination (p.Glu467*). This variant has been reported to be inherited in an individual with atrioventricular canal defect (Supplemental Data 4, Sierant et al. 2025. PubMed ID: 40127276). This variant has not been reported in a large population database (gnomAD), indicating this variant is rare. At this time, the clinical significance of this variant is uncertain due to the absence of conclusive functional and genetic evidence.

Center for Advanced Laboratory Medicine, UC San Diego Health, University of California San Diego
Classification: Likely pathogenic for Cardiomyopathy. Last evaluated: 2019-06-04. Review status: criteria provided, single submitter. Criteria: ACMG Guidelines, 2015. Collection method: clinical testing. Allele origin: germline. Affected: yes. Observed: 1 variant allele.

NM_002471.4(MYH6):c.1399G>T (p.Glu467Ter)

Gene: MYH6 (myosin heavy chain 6; minus strand). Cytogenetic location: 14q11.2.
Variant type: single nucleotide variant.
Coding change: c.1399G>T on transcript NM_002471.4 (MANE Select); coding-DNA position 1399, G replaced by T.
Protein change: p.Glu467Ter; replaces glutamic acid 467 with a stop codon.
Molecular consequence: nonsense.
Genome position (GRCh38, 1-based): chr14:23,400,720, C>A on the plus strand (G>T on the coding strand, the complement: MYH6 is on the minus strand). VCF-style: chr14-23400720-C-A. GRCh37 (hg19) VCF-style: chr14-23869929-C-A.
Other names: c.1399G>T (NM_002471.3); short protein forms E467*.
Identifiers: ClinVar variation 691662 (VCV000691662.2), dbSNP rs778808038, ClinGen allele CA389023343.
Genomic context (GRCh38, chr14:23,400,720, plus strand): 5'-TAGGAGCAAGCGAGTGATTGTTCTCCCACTCCCAGGGGTCCCAACTCACGTCGAAGATCT[C>A]GAAGCCAGCGATGTCCAGGACTCCTATGAAGTACTGGCGTGGCTGCTTGGTCTCCAGGGT-3'